The following is an entry in ClinVar:

ClinVar aggregate classification (germline): Uncertain significance. Review status: criteria provided, multiple submitters, no conflicts (2 of 4 stars). 2 submissions from 2 submitters: Uncertain significance (2). Last evaluated 2022-03-28.

Conditions:
Hereditary cancer-predisposing syndrome. Also called: Tumor predisposition; Neoplastic Syndromes, Hereditary; Hereditary Cancer Syndrome; Hereditary neoplastic syndrome. Identifiers: Orphanet 140162, MedGen C0027672, MeSH D009386, MONDO:0015356.
Ataxia-telangiectasia syndrome (AT). Also called: LOUIS-BAR SYNDROME; Cerebello-oculocutaneous telangiectasia; Immunodeficiency with ataxia telangiectasia; Ataxia-telangiectasia, complementation group D; AT, COMPLEMENTATION GROUP C; ATAXIA-TELANGIECTASIA, COMPLEMENTATION GROUP A. Identifiers: Orphanet 100, MedGen C0004135, MONDO:0008840, OMIM 208900.

Allele frequency attached by ClinVar (database versions not stated): gnomAD exomes below 0.00001.
gnomAD v4.1: 1 of 1,613,604 alleles (0.000062%); highest among the groups gnomAD compares: Non-Finnish European, 0.000085%; no homozygotes.

Submissions (2):

Labcorp Genetics (formerly Invitae), Labcorp
Classification: Uncertain significance for Ataxia-telangiectasia syndrome. Last evaluated: 2022-03-28. Review status: criteria provided, single submitter. Criteria: Invitae Variant Classification Sherloc (09022015). Collection method: clinical testing. Allele origin: germline.
Comment: This variant is not present in population databases (gnomAD no frequency). This sequence change replaces glycine, which is neutral and non-polar, with arginine, which is basic and polar, at codon 327 of the ATM protein (p.Gly327Arg). This variant has not been reported in the literature in individuals affected with ATM-related conditions. In summary, the available evidence is currently insufficient to determine the role of this variant in disease. Therefore, it has been classified as a Variant of Uncertain Significance. Advanced modeling of protein sequence and biophysical properties (such as structural, functional, and spatial information, amino acid conservation, physicochemical variation, residue mobility, and thermodynamic stability) performed at Invitae indicates that this missense variant is not expected to disrupt ATM protein function.

Ambry Genetics
Classification: Uncertain significance for Hereditary cancer-predisposing syndrome. Last evaluated: 2015-11-30. Review status: criteria provided, single submitter. Criteria: Ambry Variant Classification Scheme 2023. Collection method: clinical testing. Allele origin: germline.
Comment: The p.G327R variant (also known as c.979G>A), located in coding exon 7 of the ATM gene, results from a G to A substitution at nucleotide position 979. The glycine at codon 327 is replaced by arginine, an amino acid with dissimilar properties. This variant was not reported in population based cohorts in the following databases: Database of Single Nucleotide Polymorphisms (dbSNP), NHLBI Exome Sequencing Project (ESP), and 1000 Genomes Project. In the ESP, this variant was not observed in 6499 samples (12998 alleles) with coverage at this position. To date, this alteration has been detected with an allele frequency of approximately 0.001% (greater than 125000 alleles tested) in our clinical cohort. This amino acid position is well conserved in available vertebrate species. In addition, the in silico prediction for this alteration is inconclusive. Since supporting evidence is limited at this time, the clinical significance of p.G327R remains unclear.

NM_000051.4(ATM):c.979G>A (p.Gly327Arg)

Gene: ATM (ATM serine/threonine kinase; plus strand). Cytogenetic location: 11q22.3.
Variant type: single nucleotide variant.
Coding change: c.979G>A on transcript NM_000051.4 (MANE Select); coding-DNA position 979, G replaced by A.
Protein change: p.Gly327Arg; replaces glycine 327 with arginine.
Molecular consequence: missense variant.
Genome position (GRCh38, 1-based): chr11:108,247,041, G>A. VCF-style: chr11-108247041-G-A. GRCh37 (hg19) VCF-style: chr11-108117768-G-A.
Other names: c.979G>A, p.Gly327Arg (NM_001351834.2); short protein forms G327R.
Identifiers: ClinVar variation 1768233 (VCV001768233.7), dbSNP rs2135266984, ClinGen allele CA382531118.